The following is an entry in ClinVar:

ClinVar aggregate classification (germline): Uncertain significance (1 of 4 stars; one submission).

gnomAD v4.1: 2 of 1,614,098 alleles (0.00012%); no homozygotes.

Submission:

Labcorp Genetics (formerly Invitae), Labcorp
Classification: Uncertain significance. Last evaluated: 2023-12-01. Review status: criteria provided, single submitter. Criteria: Invitae Variant Classification Sherloc (09022015). Collection method: clinical testing. Allele origin: germline.
Comment: This sequence change replaces threonine, which is neutral and polar, with asparagine, which is neutral and polar, at codon 283 of the HOXB13 protein (p.Thr283Asn). This variant is not present in population databases (gnomAD no frequency). This variant has not been reported in the literature in individuals affected with HOXB13-related conditions. An algorithm developed to predict the effect of missense changes on protein structure and function (PolyPhen-2) suggests that this variant is likely to be tolerated. In summary, the available evidence is currently insufficient to determine the role of this variant in disease. Therefore, it has been classified as a Variant of Uncertain Significance.

NM_006361.6(HOXB13):c.848C>A (p.Thr283Asn)

Gene: HOXB13 (homeobox B13; minus strand). Cytogenetic location: 17q21.32.
Variant type: single nucleotide variant.
Coding change: c.848C>A on transcript NM_006361.6 (MANE Select); coding-DNA position 848, C replaced by A.
Protein change: p.Thr283Asn; replaces threonine 283 with asparagine.
Molecular consequence: missense variant.
Genome position (GRCh38, 1-based): chr17:48,726,797, G>T on the plus strand (C>A on the coding strand, the complement: HOXB13 is on the minus strand). VCF-style: chr17-48726797-G-T. GRCh37 (hg19) VCF-style: chr17-46804159-G-T.
Other names: short protein forms T283N.
Identifiers: ClinVar variation 2848346 (VCV002848346.3), dbSNP rs1597932386, ClinGen allele CA400105152.
Genomic context (GRCh38, chr17:48,726,797, plus strand): 5'-GTCTCCCCAGGACACCCCCACTTTCGCTCCTCCCACCCAGGCAAGGAGATCTCTTAAGGG[G>T]TAGCGCTGTTCTTCACCTTGGCGAGAACCTTCTTCTCTTTGACCCGGCGGTTCTGAAACC-3'
Protein context (NP_006352.2, residues 273-284): KVLAKVKNSA[Thr283Asn]P